The following is an entry in ClinVar:

ClinVar aggregate classification (germline): Conflicting classifications of pathogenicity. Review status: criteria provided, conflicting classifications (1 of 4 stars). 3 submissions from 3 submitters: Uncertain significance (2); Likely benign (1). Last evaluated 2026-05-27.

Allele frequency attached by ClinVar (database versions not stated): gnomAD 0.00002 and 0.00003; TOPMed 0.00002; 1000 Genomes Project 30x 0.00016; 1000 Genomes Project 0.00020; ExAC 0.00005; gnomAD exomes 0.00004.
gnomAD v4.1: 52 of 1,613,010 alleles (0.0032%); highest among the groups gnomAD compares: Admixed American, 0.015%; no homozygotes.

Submissions (3):

GeneDx
Classification: Uncertain significance. Last evaluated: 2026-05-27. Review status: criteria provided, single submitter. Criteria: GeneDx Variant Classification Process June 2021. Collection method: clinical testing. Allele origin: germline.
Comment: In silico analysis suggests that this missense variant does not alter protein structure/function; Has not been previously published as pathogenic or benign to our knowledge

Labcorp Genetics (formerly Invitae), Labcorp
Classification: Likely benign. Last evaluated: 2025-06-03. Review status: criteria provided, single submitter. Criteria: Invitae Variant Classification Sherloc (09022015). Collection method: clinical testing. Allele origin: germline.

Blueprint Genetics
Classification: Uncertain significance. Last evaluated: 2023-02-23. Review status: criteria provided, single submitter. Criteria: ACMG Guidelines, 2015. Collection method: clinical testing. Allele origin: germline.

NM_032119.4(ADGRV1):c.4985G>A (p.Arg1662His)

Gene: ADGRV1 (adhesion G protein-coupled receptor V1; plus strand). Cytogenetic location: 5q14.3.
Variant type: single nucleotide variant.
Coding change: c.4985G>A on transcript NM_032119.4 (MANE Select); coding-DNA position 4985, G replaced by A.
Protein change: p.Arg1662His; replaces arginine 1662 with histidine.
Molecular consequence: missense variant. On other transcripts: non-coding transcript variant (1).
Genome position (GRCh38, 1-based): chr5:90,674,109, G>A. VCF-style: chr5-90674109-G-A. GRCh37 (hg19) VCF-style: chr5-89969926-G-A.
Other names: short protein forms R1662H.
Identifiers: ClinVar variation 961940 (VCV000961940.12), dbSNP rs193222107, ClinGen allele CA3339456.